The following is an entry in ClinVar:

ClinVar aggregate classification (germline): Uncertain significance (1 of 4 stars; one submission).

Allele frequency attached by ClinVar (database versions not stated): 1000 Genomes Project 30x 0.00016.
gnomAD v4.1: 117 of 1,614,118 alleles (0.0072%); highest among the groups gnomAD compares: East Asian, 0.1%; no homozygotes.

Submission:

Labcorp Genetics (formerly Invitae), Labcorp
Classification: Uncertain significance. Last evaluated: 2022-08-01. Review status: criteria provided, single submitter. Criteria: Invitae Variant Classification Sherloc (09022015). Collection method: clinical testing. Allele origin: germline.
Comment: This sequence change replaces threonine, which is neutral and polar, with methionine, which is neutral and non-polar, at codon 2165 of the GPR179 protein (p.Thr2165Met). This variant is present in population databases (rs114844749, gnomAD 0.03%). This variant has not been reported in the literature in individuals affected with GPR179-related conditions. ClinVar contains an entry for this variant (Variation ID: 1424364). Algorithms developed to predict the effect of missense changes on protein structure and function output the following: SIFT: "Deleterious"; PolyPhen-2: "Benign"; Align-GVGD: "Class C0". The methionine amino acid residue is found in multiple mammalian species, which suggests that this missense change does not adversely affect protein function. In summary, the available evidence is currently insufficient to determine the role of this variant in disease. Therefore, it has been classified as a Variant of Uncertain Significance.

NM_001004334.4(GPR179):c.6494C>T (p.Thr2165Met)

Gene: GPR179 (G protein-coupled receptor 179; minus strand). Cytogenetic location: 17q12.
Variant type: single nucleotide variant.
Coding change: c.6494C>T on transcript NM_001004334.4 (MANE Select); coding-DNA position 6494, C replaced by T.
Protein change: p.Thr2165Met; replaces threonine 2165 with methionine.
Molecular consequence: missense variant.
Genome position (GRCh38, 1-based): chr17:38,327,075, G>A on the plus strand (C>T on the coding strand, the complement: GPR179 is on the minus strand). VCF-style: chr17-38327075-G-A. GRCh37 (hg19) VCF-style: chr17-36482958-G-A.
Other names: short protein forms T2165M.
Identifiers: ClinVar variation 1424364 (VCV001424364.3), dbSNP rs114844749, ClinGen allele CA290102919.